The following is an entry in ClinVar:

NM_007294.4(BRCA1):c.1160C>T (p.Ser387Phe)

Gene: BRCA1 (BRCA1 DNA repair associated; minus strand). Cytogenetic location: 17q21.31.
Variant type: single nucleotide variant.
Coding change: c.1160C>T on transcript NM_007294.4 (MANE Select); coding-DNA position 1160, C replaced by T.
Protein change: p.Ser387Phe; replaces serine 387 with phenylalanine.
Molecular consequence: missense variant. On other transcripts: intron variant (137).
Genome position (GRCh38, 1-based): chr17:43,094,371, G>A on the plus strand (C>T on the coding strand, the complement: BRCA1 is on the minus strand). VCF-style: chr17-43094371-G-A. GRCh37 (hg19) VCF-style: chr17-41246388-G-A.
Other names: c.1160C>T, p.Ser387Phe (NM_001407597.1, NM_001407598.1, NM_001407602.1 and 30 more transcripts); c.1157C>T, p.Ser386Phe (NM_001407610.1, NM_001407611.1, NM_001407612.1 and 22 more transcripts); c.1151C>T, p.Ser384Phe (NM_001407646.1, NM_001407647.1); c.1037C>T, p.Ser346Phe (NM_001407648.1, NM_001407664.1, NM_001407665.1 and 19 more transcripts); c.1034C>T, p.Ser345Phe (NM_001407649.1, NM_001407670.1, NM_001407671.1 and 11 more transcripts); c.1082C>T, p.Ser361Phe (NM_001407653.1, NM_001407654.1, NM_001407655.1 and 4 more transcripts); c.1079C>T, p.Ser360Phe (NM_001407659.1, NM_001407660.1, NM_001407661.1 and 1 more transcripts); c.1019C>T, p.Ser340Phe (NM_001407692.1, NM_001407694.1, NM_001407695.1 and 29 more transcripts); and 40 more; short protein forms S219F, S259F, S260F, S275F, S276F, S298F, S299F, S316F.
Identifiers: ClinVar variation 4757054 (VCV004757054.1).

ClinVar aggregate classification (germline): Uncertain significance (1 of 4 stars; one submission).

Conditions:
Hereditary cancer-predisposing syndrome. Also called: Tumor predisposition; Hereditary Cancer Syndrome; Neoplastic Syndromes, Hereditary; Hereditary neoplastic syndrome. Identifiers: Orphanet 140162, MedGen C0027672, MeSH D009386, MONDO:0015356.

gnomAD v4.1: 1 of 1,614,120 alleles (0.000062%); highest among the groups gnomAD compares: Non-Finnish European, 0.000085%; no homozygotes.

Submission:

Color Diagnostics, LLC DBA Color Health
Classification: Uncertain significance for Hereditary cancer-predisposing syndrome. Last evaluated: 2025-06-24. Review status: criteria provided, single submitter. Criteria: ACMG Guidelines, 2015. Collection method: clinical testing. Allele origin: germline.
Comment: This missense variant replaces serine with phenylalanine at codon 387 of the BRCA1 protein. Computational prediction suggests that this variant may have deleterious impact on protein structure and function. To our knowledge, functional studies have not been reported for this variant. This variant has not been reported in individuals affected with BRCA1-related disorders in the literature. This variant has not been identified in the general population by the Genome Aggregation Database (gnomAD). The available evidence is insufficient to determine the role of this variant in disease conclusively. Therefore, this variant is classified as a Variant of Uncertain Significance.